The following is an entry in ClinVar:

ClinVar aggregate classification (germline): Likely benign (1 of 4 stars; one submission).

Conditions:
YY1AP1-related disorder. Also called: YY1AP1-related condition.

gnomAD v4.1: 1 of 1,612,132 alleles (0.000062%); highest among the groups gnomAD compares: Non-Finnish European, 0.000085%; no homozygotes.

Submission:

PreventionGenetics, part of Exact Sciences
Classification: Likely benign for YY1AP1-related condition. Last evaluated: 2024-10-16. Review status: criteria provided, single submitter. Criteria: ACMG Guidelines, 2015. Collection method: clinical testing. Allele origin: germline.
Comment: This variant is classified as likely benign based on ACMG/AMP sequence variant interpretation guidelines (Richards et al. 2015 PMID: 25741868, with internal and published modifications).

NM_001198906.2(YY1AP1):c.27C>T (p.Ala9=)

Genes: DAP3 (death associated protein 3; plus strand), YY1AP1 (YY1 associated protein 1; minus strand). Cytogenetic location: 1q22.
Variant type: single nucleotide variant.
Coding change: c.27C>T on transcript NM_001198906.2; coding-DNA position 27, C replaced by T.
Protein change: p.Ala9=; no amino-acid change (alanine 9 retained).
Molecular consequence: synonymous variant. On other transcripts: 5 prime UTR variant (2).
Genome position (GRCh38, 1-based): chr1:155,688,950, G>A on the plus strand (C>T on the coding strand, the complement: YY1AP1 is on the minus strand). VCF-style: chr1-155688950-G-A. GRCh37 (hg19) VCF-style: chr1-155658741-G-A.
Other names: c.-41C>T (NM_001198901.2); c.27C>T, p.Ala9= (NM_139118.3); c.-395C>T (NM_139121.3).
Identifiers: ClinVar variation 4986878 (VCV004986878.1).